The following is an entry in ClinVar:

NM_003242.6(TGFBR2):c.842A>G (p.Tyr281Cys)

Gene: TGFBR2 (transforming growth factor beta receptor 2; plus strand). Cytogenetic location: 3p24.1.
Variant type: single nucleotide variant.
Coding change: c.842A>G on transcript NM_003242.6 (MANE Select); coding-DNA position 842, A replaced by G.
Protein change: p.Tyr281Cys; replaces tyrosine 281 with cysteine.
Molecular consequence: missense variant.
Genome position (GRCh38, 1-based): chr3:30,672,025, A>G. VCF-style: chr3-30672025-A-G. GRCh37 (hg19) VCF-style: chr3-30713517-A-G.
Other names: c.917A>G, p.Tyr306Cys (NM_001024847.3); c.1025A>G, p.Tyr342Cys (NM_001407126.1); c.950A>G, p.Tyr317Cys (NM_001407127.1); c.869A>G, p.Tyr290Cys (NM_001407128.1); c.845A>G, p.Tyr282Cys (NM_001407129.1); c.842A>G, p.Tyr281Cys (NM_001407130.1); c.737A>G, p.Tyr246Cys (NM_001407132.1, NM_001407133.1, NM_001407134.1 and 2 more transcripts); c.557A>G, p.Tyr186Cys (NM_001407137.1); and 1 more; short protein forms Y306C, Y281C, Y290C, Y317C, Y342C, Y161C, Y186C, Y246C.
Identifiers: ClinVar variation 921831 (VCV000921831.13), dbSNP rs1210616464, ClinGen allele CA351807989.

ClinVar aggregate classification (germline): Uncertain significance. Review status: criteria provided, multiple submitters, no conflicts (2 of 4 stars). 4 submissions from 4 submitters: Uncertain significance (4). Last evaluated 2025-07-27.

Conditions:
Loeys-Dietz syndrome 2 (LDS2). Also called: TGFBR2-Related Loeys-Dietz Syndrome; AORTIC ANEURYSM, FAMILIAL THORACIC 3; MARFAN SYNDROME, TYPE II; Marfan Syndrome type 2; Marfan like connective tissue disorder; MFS 2. Identifiers: Orphanet 284973, Orphanet 558, MedGen C2674574, MONDO:0012427, OMIM 610168.
Familial thoracic aortic aneurysm and aortic dissection (TAAD). Also called: Thoracic aortic aneurysms and dissections. Identifiers: Orphanet 91387, MedGen C4707243, MONDO:0019625.

Allele frequency attached by ClinVar (database versions not stated): gnomAD exomes below 0.00001; TOPMed below 0.00001; gnomAD 0.00001.
gnomAD v4.1: 4 of 1,614,110 alleles (0.00025%); highest among the groups gnomAD compares: South Asian, 0.0022%; no homozygotes.

Submissions (4):

Labcorp Genetics (formerly Invitae), Labcorp
Classification: Uncertain significance for Familial thoracic aortic aneurysm and aortic dissection. Last evaluated: 2025-07-27. Review status: criteria provided, single submitter. Criteria: Invitae Variant Classification Sherloc (09022015). Collection method: clinical testing. Allele origin: germline.
Comment: This sequence change replaces tyrosine, which is neutral and polar, with cysteine, which is neutral and slightly polar, at codon 281 of the TGFBR2 protein (p.Tyr281Cys). This variant is not present in population databases (gnomAD no frequency). This variant has not been reported in the literature in individuals affected with TGFBR2-related conditions. ClinVar contains an entry for this variant (Variation ID: 921831). Invitae Evidence Modeling of protein sequence and biophysical properties (such as structural, functional, and spatial information, amino acid conservation, physicochemical variation, residue mobility, and thermodynamic stability) indicates that this missense variant is not expected to disrupt TGFBR2 protein function with a negative predictive value of 95%. In summary, the available evidence is currently insufficient to determine the role of this variant in disease. Therefore, it has been classified as a Variant of Uncertain Significance.

Ambry Genetics
Classification: Uncertain significance for Familial thoracic aortic aneurysm and aortic dissection. Last evaluated: 2025-05-17. Review status: criteria provided, single submitter. Criteria: Ambry Variant Classification Scheme 2023. Collection method: clinical testing. Allele origin: germline.

Color Diagnostics, LLC DBA Color Health
Classification: Uncertain significance for Familial thoracic aortic aneurysm and aortic dissection. Last evaluated: 2024-03-06. Review status: criteria provided, single submitter. Criteria: ACMG Guidelines, 2015. Collection method: clinical testing. Allele origin: germline.
Comment: This missense variant replaces tyrosine with cysteine at codon 306 of the TGFBR2 protein. Computational prediction tool suggests that this variant may not impact protein structure and function (internally defined REVEL score threshold <=0.5, PMID: 27666373). Splice site prediction tools suggest that this variant may not impact RNA splicing. To our knowledge, functional studies have not been performed for this variant. This variant has not been reported in individuals affected with cardiovascular disorders in the literature. This variant has not been identified in the general population by the Genome Aggregation Database (gnomAD). The available evidence is insufficient to determine the role of this variant in disease conclusively. Therefore, this variant is classified as a Variant of Uncertain Significance.

All of Us Research Program, National Institutes of Health
Classification: Uncertain significance for Loeys-Dietz syndrome 2. Last evaluated: 2023-08-25. Review status: criteria provided, single submitter. Criteria: ACMG Guidelines, 2015. Collection method: clinical testing. Allele origin: germline. Inheritance: Autosomal dominant inheritance. Observed: 2 variant alleles, 2 heterozygotes.
Comment: This missense variant replaces tyrosine with cysteine at codon 306 of the TGFBR2 protein. Computational prediction tool suggests that this variant may not impact protein structure and function (internally defined REVEL score threshold <=0.5, PMID: 27666373). Splice site prediction tools suggest that this variant may not impact RNA splicing. To our knowledge, functional studies have not been performed for this variant. This variant has not been reported in individuals affected with cardiovascular disorders in the literature. This variant has not been identified in the general population by the Genome Aggregation Database (gnomAD). The available evidence is insufficient to determine the role of this variant in disease conclusively. Therefore, this variant is classified as a Variant of Uncertain Significance.

This study involves interpretation of variants in research participants for the purpose of population health screening. Participant phenotype was not available at the time of variant classification. Additional details can be found in publication PMID: 35346344, PMCID: PMC8962531